The following is an entry in ClinVar:

NM_000489.6(ATRX):c.2921G>A (p.Ser974Asn)

Gene: ATRX (ATRX chromatin remodeler; minus strand). Cytogenetic location: Xq21.1.
Variant type: single nucleotide variant.
Coding change: c.2921G>A on transcript NM_000489.6 (MANE Select); coding-DNA position 2921, G replaced by A.
Protein change: p.Ser974Asn; replaces serine 974 with asparagine.
Molecular consequence: missense variant.
Genome position (GRCh38, 1-based): chrX:77,682,335, C>T on the plus strand (G>A on the coding strand, the complement: ATRX is on the minus strand). VCF-style: chrX-77682335-C-T. GRCh37 (hg19) VCF-style: chrX-76937827-C-T.
Other names: c.2921G>A (NM_000489.3); c.2807G>A, p.Ser936Asn (NM_138270.5); short protein forms S936N, S974N.
Identifiers: ClinVar variation 4951684 (VCV004951684.2).

ClinVar aggregate classification (germline): Uncertain significance. Review status: criteria provided, multiple submitters, no conflicts (2 of 4 stars). 2 submissions from 2 submitters: Uncertain significance (2). Last evaluated 2026-02-18.

Submissions (2):

GeneDx
Classification: Uncertain significance. Last evaluated: 2026-02-18. Review status: criteria provided, single submitter. Criteria: GeneDx Variant Classification Process June 2021. Collection method: clinical testing. Allele origin: germline.
Comment: Not observed at significant frequency in large population cohorts (gnomAD); In silico analysis suggests that this missense variant does not alter protein structure/function; Has not been previously published as pathogenic or benign to our knowledge

Blueprint Genetics
Classification: Uncertain significance. Last evaluated: 2021-01-19. Review status: criteria provided, single submitter. Criteria: ACMG Guidelines, 2015. Collection method: clinical testing. Allele origin: germline.